The following is an entry in ClinVar:

ClinVar aggregate classification (germline): Uncertain significance (1 of 4 stars; one submission).

Conditions:
Fanconi anemia (FA). Also called: Fanconi's anemia. Identifiers: Orphanet 84, MedGen C0015625, MeSH D005199, MONDO:0019391.

gnomAD v4.1: 3 of 1,210,762 alleles (0.00025%); highest among the groups gnomAD compares: African/African-American, 0.0017%; no homozygotes.

Submission:

Labcorp Genetics (formerly Invitae), Labcorp
Classification: Uncertain significance for Fanconi anemia. Last evaluated: 2020-11-26. Review status: criteria provided, single submitter. Criteria: Invitae Variant Classification Sherloc (09022015). Collection method: clinical testing. Allele origin: germline.
Comment: This sequence change replaces isoleucine with valine at codon 777 of the FANCB protein (p.Ile777Val). The isoleucine residue is weakly conserved and there is a small physicochemical difference between isoleucine and valine. In summary, the available evidence is currently insufficient to determine the role of this variant in disease. Therefore, it has been classified as a Variant of Uncertain Significance. Algorithms developed to predict the effect of missense changes on protein structure and function output the following: SIFT: "Tolerated"; PolyPhen-2: "Benign"; Align-GVGD: "Class C0". The valine amino acid residue is found in multiple mammalian species, suggesting that this missense change does not adversely affect protein function. These predictions have not been confirmed by published functional studies and their clinical significance is uncertain. This variant has not been reported in the literature in individuals with FANCB-related conditions. This variant is not present in population databases (ExAC no frequency).

NM_001018113.3(FANCB):c.2329A>G (p.Ile777Val)

Gene: FANCB (FA complementation group B; minus strand). Cytogenetic location: Xp22.2.
Variant type: single nucleotide variant.
Coding change: c.2329A>G on transcript NM_001018113.3 (MANE Select); coding-DNA position 2329, A replaced by G.
Protein change: p.Ile777Val; replaces isoleucine 777 with valine.
Molecular consequence: missense variant.
Genome position (GRCh38, 1-based): chrX:14,843,818, T>C on the plus strand (A>G on the coding strand, the complement: FANCB is on the minus strand). VCF-style: chrX-14843818-T-C. GRCh37 (hg19) VCF-style: chrX-14861940-T-C.
Other names: c.2329A>G, p.Ile777Val (NM_001324162.2, NM_152633.4); short protein forms I777V.
Identifiers: ClinVar variation 1361153 (VCV001361153.8), dbSNP rs776505971, ClinGen allele CA412437655.